The following is an entry in ClinVar:

ClinVar aggregate classification (germline): Uncertain significance (1 of 4 stars; one submission).

Conditions:
Fanconi anemia (FA). Also called: Fanconi's anemia. Identifiers: Orphanet 84, MedGen C0015625, MeSH D005199, MONDO:0019391.

Submission:

Labcorp Genetics (formerly Invitae), Labcorp
Classification: Uncertain significance for Fanconi anemia. Last evaluated: 2019-12-11. Review status: criteria provided, single submitter. Criteria: Invitae Variant Classification Sherloc (09022015). Collection method: clinical testing. Allele origin: germline.
Comment: In summary, the available evidence is currently insufficient to determine the role of this variant in disease. Therefore, it has been classified as a Variant of Uncertain Significance. Algorithms developed to predict the effect of missense changes on protein structure and function are either unavailable or do not agree on the potential impact of this missense change (SIFT: "Deleterious"; PolyPhen-2: "Benign"; Align-GVGD: "Class C0"). This variant has not been reported in the literature in individuals with FANCM-related conditions. This variant is not present in population databases (ExAC no frequency). This sequence change replaces serine with cysteine at codon 653 of the FANCM protein (p.Ser653Cys). The serine residue is weakly conserved and there is a moderate physicochemical difference between serine and cysteine.

NM_020937.4(FANCM):c.1958C>G (p.Ser653Cys)

Gene: FANCM (FA complementation group M; plus strand). Cytogenetic location: 14q21.2.
Variant type: single nucleotide variant.
Coding change: c.1958C>G on transcript NM_020937.4 (MANE Select); coding-DNA position 1958, C replaced by G.
Protein change: p.Ser653Cys; replaces serine 653 with cysteine.
Molecular consequence: missense variant.
Genome position (GRCh38, 1-based): chr14:45,167,119, C>G. VCF-style: chr14-45167119-C-G. GRCh37 (hg19) VCF-style: chr14-45636322-C-G.
Other names: c.1880C>G, p.Ser627Cys (NM_001308133.2); c.1958C>G, p.Ser653Cys (NM_001308134.2); short protein forms S627C, S653C.
Identifiers: ClinVar variation 861222 (VCV000861222.9), dbSNP rs1888036983, ClinGen allele CA389595145.